The following is an entry in ClinVar:

NM_001283009.2(RTEL1):c.1442C>A (p.Thr481Lys)

Genes: RTEL1 (regulator of telomere elongation helicase 1; plus strand), RTEL1-TNFRSF6B (RTEL1-TNFRSF6B readthrough (NMD candidate); plus strand). Cytogenetic location: 20q13.33.
Variant type: single nucleotide variant.
Coding change: c.1442C>A on transcript NM_001283009.2 (MANE Select); coding-DNA position 1442, C replaced by A.
Protein change: p.Thr481Lys; replaces threonine 481 with lysine.
Molecular consequence: missense variant. On other transcripts: non-coding transcript variant (1).
Genome position (GRCh38, 1-based): chr20:63,687,731, C>A. VCF-style: chr20-63687731-C-A. GRCh37 (hg19) VCF-style: chr20-62319084-C-A.
Other names: c.773C>A, p.Thr258Lys (NM_001283010.1); c.1442C>A, p.Thr481Lys (NM_016434.4); c.1514C>A, p.Thr505Lys (NM_032957.5); short protein forms T505K, T258K, T481K.
Identifiers: ClinVar variation 5028472 (VCV005028472.1).
Genomic context (GRCh38, chr20:63,687,731, plus strand): 5'-GCCACAGCATGCACGAGCTGGTCCGCCAGGGCGTCCGCTCCCTCATCCTTACCAGCGGCA[C>A]GCTGGCCCCGGTGTCCTCCTTTGCTCTGGAGATGCAGATGTACGGGCCACCCCTGCCAGG-3'
Protein context (NP_001269938.1, residues 471-491): GVRSLILTSG[Thr481Lys]LAPVSSFALE

ClinVar aggregate classification (germline): Uncertain significance (1 of 4 stars; one submission).

Conditions:
Inborn genetic diseases. Identifiers: MedGen C0950123, MeSH D030342.

Submission:

Ambry Genetics
Classification: Uncertain significance for Inborn genetic diseases. Last evaluated: 2026-07-01. Review status: criteria provided, single submitter. Criteria: Ambry Variant Classification Scheme 2023. Collection method: clinical testing. Allele origin: germline.
Comment: The p.T481K variant (also known as c.1442C>A), located in coding exon 16 of the RTEL1 gene, results from a C to A substitution at nucleotide position 1442. The threonine at codon 481 is replaced by lysine, an amino acid with similar properties. This amino acid position is conserved. In addition, this alteration is predicted to be deleterious by in silico analysis. Based on the available evidence, the clinical significance of this variant remains unclear.